The following is an entry in ClinVar:

NM_001267550.2(TTN):c.17752C>A (p.Pro5918Thr)

Gene: TTN (titin; minus strand). Cytogenetic location: 2q31.2.
Variant type: single nucleotide variant.
Coding change: c.17752C>A on transcript NM_001267550.2 (MANE Select); coding-DNA position 17752, C replaced by A.
Protein change: p.Pro5918Thr; replaces proline 5918 with threonine.
Molecular consequence: missense variant. On other transcripts: intron variant (3).
Genome position (GRCh38, 1-based): chr2:178,730,781, G>T on the plus strand (C>A on the coding strand, the complement: TTN is on the minus strand). VCF-style: chr2-178730781-G-T. GRCh37 (hg19) VCF-style: chr2-179595508-G-T.
Other names: c.14020C>A, p.Pro4674Thr (NM_133378.4); c.16801C>A, p.Pro5601Thr (NM_001256850.1); c.13282+7301C>A (NM_003319.4); c.13858+7301C>A (NM_133437.4); c.13657+7301C>A (NM_133432.3); short protein forms P4674T, P5918T, P5601T.
Identifiers: ClinVar variation 178837 (VCV000178837.5), dbSNP rs727504480, ClinGen allele CA183134.

ClinVar aggregate classification (germline): Uncertain significance (1 of 4 stars; one submission).

Allele frequency attached by ClinVar (database versions not stated): TOPMed below 0.00001; gnomAD exomes 0.00001.
gnomAD v4.1: 7 of 1,598,730 alleles (0.00044%); highest among the groups gnomAD compares: Non-Finnish European, 0.0006%; no homozygotes.

Submission:

Laboratory for Molecular Medicine, Mass General Brigham Personalized Medicine
Classification: Uncertain significance. Last evaluated: 2015-07-15. Review status: criteria provided, single submitter. Criteria: LMM Criteria. Collection method: clinical testing. Allele origin: germline. Observed: 1 variant allele.
Comment: proposed classification - variant undergoing re-assessment, contact laboratory